The following is an entry in ClinVar:

NM_001374736.1(DST):c.22959+18G>A

Gene: DST (dystonin; minus strand). Cytogenetic location: 6p12.1.
Variant type: single nucleotide variant.
Coding change: c.22959+18G>A on transcript NM_001374736.1 (MANE Select); 18 bases into the intron after coding-DNA position 22959, G replaced by A.
Molecular consequence: intron variant.
Genome position (GRCh38, 1-based): chr6:56,463,547, C>T on the plus strand (G>A on the coding strand, the complement: DST is on the minus strand). VCF-style: chr6-56463547-C-T. GRCh37 (hg19) VCF-style: chr6-56328345-C-T.
Other names: c.16530+18G>A (NM_001144769.5); c.22887+18G>A (NM_001374722.1); c.22914+18G>A (NM_001374734.1); c.16116+18G>A (NM_001144770.2); c.15741+18G>A (NM_001374730.1); c.15978+18G>A (NM_001386100.1); c.15996+18G>A (NM_183380.4); c.21999+18G>A (NM_001374729.1); and 1 more.
Identifiers: ClinVar variation 2153791 (VCV002153791.4), dbSNP rs764025757, ClinGen allele CA139164844.

ClinVar aggregate classification (germline): Uncertain significance (1 of 4 stars; one submission).

Conditions:
Hereditary sensory and autonomic neuropathy type 6. Also called: HSAN VI; Neuropathy, hereditary sensory and autonomic, type VI. Identifiers: Orphanet 314381, MedGen C3539003, MONDO:0013839, OMIM 614653.
Epidermolysis bullosa simplex 3, localized or generalized intermediate, with BP230 deficiency (EBS3). Also called: Epidermolysis bullosa simplex due to BP230 deficiency; Epidermolysis bullosa simplex, autosomal recessive 2. Identifiers: Orphanet 412181, MedGen C3809470, MONDO:0014180, OMIM 615425.

Allele frequency attached by ClinVar (database versions not stated): TOPMed below 0.00001; gnomAD 0.00001; gnomAD exomes 0.00001.
gnomAD v4.1: 15 of 1,541,476 alleles (0.00097%); highest among the groups gnomAD compares: African/African-American, 0.0014%; no homozygotes.

Submission:

Labcorp Genetics (formerly Invitae), Labcorp
Classification: Uncertain significance for Epidermolysis bullosa simplex 3, localized or generalized intermediate, with BP230 deficiency; Hereditary sensory and autonomic neuropathy type 6. Last evaluated: 2022-05-17. Review status: criteria provided, single submitter. Criteria: Invitae Variant Classification Sherloc (09022015). Collection method: clinical testing. Allele origin: germline.
Comment: In summary, the available evidence is currently insufficient to determine the role of this variant in disease. Therefore, it has been classified as a Variant of Uncertain Significance. Experimental studies and prediction algorithms are not available or were not evaluated, and the effect of this variant on mRNA splicing is currently unknown. This variant has not been reported in the literature in individuals affected with DST-related conditions. This variant is present in population databases (rs764025757, gnomAD 0.007%). This sequence change falls in intron 81 of the DST gene. It does not directly change the encoded amino acid sequence of the DST protein. The DST gene has multiple clinically relevant transcripts. This variant occurs in alternate transcript NM_015548.4, and corresponds to NM_001723.5:c.*151970G>A in the primary transcript.